The following is an entry in ClinVar:

NM_001267550.2(TTN):c.59971A>G (p.Lys19991Glu)

Genes: TTN (titin; minus strand), TTN-AS1 (TTN antisense RNA 1; plus strand), LOC126806424 (CDK7 strongly-dependent group 2 enhancer GRCh37_chr2:179456337-179457536; plus strand). Cytogenetic location: 2q31.2.
Variant type: single nucleotide variant.
Coding change: c.59971A>G on transcript NM_001267550.2 (MANE Select); coding-DNA position 59971, A replaced by G.
Protein change: p.Lys19991Glu; replaces lysine 19991 with glutamic acid.
Molecular consequence: missense variant.
Genome position (GRCh38, 1-based): chr2:178,591,848, T>C on the plus strand (A>G on the coding strand, the complement: TTN is on the minus strand). VCF-style: chr2-178591848-T-C. GRCh37 (hg19) VCF-style: chr2-179456575-T-C.
Other names: c.55048A>G, p.Lys18350Glu (NM_001256850.1); c.32776A>G, p.Lys10926Glu (NM_003319.4); c.52267A>G, p.Lys17423Glu (NM_133378.4); c.33151A>G, p.Lys11051Glu (NM_133432.3); c.33352A>G, p.Lys11118Glu (NM_133437.4); short protein forms K10926E, K11051E, K11118E, K17423E, K18350E, K19991E.
Identifiers: ClinVar variation 2633931 (VCV002633931.1), dbSNP rs2050275509, ClinGen allele CA349488202.
Genomic context (GRCh38, chr2:178,591,848, plus strand): 5'-CAGTGATTGGAGAACCACCATCACGATCCGGCTTATTCCAGACTAGGGAGACTTCAGTCT[T>C]GTCAACATCTACATGGTGCAGGTCCTTGGGTGGCCCTGGGGGATCTTTTCAAAGAAGAAG-3'
Protein context (NP_001254479.2, residues 19981-20001): PKDLHHVDVD[Lys19991Glu]TEVSLVWNKP

ClinVar aggregate classification (germline): Uncertain significance (1 of 4 stars; one submission).

Conditions:
TTN-related disorder. Also called: TTN-related condition; TTN-related disease; TTN-related disorders.

Allele frequency attached by ClinVar (database versions not stated): TOPMed below 0.00001.

Submission:

PreventionGenetics, part of Exact Sciences
Classification: Uncertain significance for TTN-related condition. Last evaluated: 2023-10-09. Review status: criteria provided, single submitter. Criteria: ACMG Guidelines, 2015. Collection method: clinical testing. Allele origin: germline.
Comment: The TTN c.59971A>G variant is predicted to result in the amino acid substitution p.Lys19991Glu. To our knowledge, this variant has not been reported in the literature or in a large population database, indicating this variant is rare. At this time, the clinical significance of this variant is uncertain due to the absence of conclusive functional and genetic evidence.